The following is an entry in ClinVar:

ClinVar aggregate classification (germline): Pathogenic (1 of 4 stars; one submission).

Conditions:
Hereditary cancer-predisposing syndrome. Also called: Hereditary Cancer Syndrome; Hereditary neoplastic syndrome; Tumor predisposition; Neoplastic Syndromes, Hereditary. Identifiers: Orphanet 140162, MedGen C0027672, MeSH D009386, MONDO:0015356.
Cardiovascular phenotype. Identifiers: MedGen CN230736.

Submission:

Ambry Genetics
Classification: Pathogenic for Cardiovascular phenotype; Hereditary cancer-predisposing syndrome. Last evaluated: 2024-12-16. Review status: criteria provided, single submitter. Criteria: Ambry Variant Classification Scheme 2023. Collection method: clinical testing. Allele origin: germline.
Comment: The c.2304delG variant, located in coding exon 19 of the LZTR1 gene, results from a deletion of one nucleotide at nucleotide position 2304, causing a translational frameshift with a predicted alternate stop codon (p.T769Rfs*20). This alteration occurs at the 3' terminus of theLZTR1 gene, is not expected to trigger nonsense-mediated mRNA decay, and impacts the last 8% of the protein. However, premature stop codons are typically deleterious in nature, a significant portion of the protein is affected, and the impacted region is critical for protein function (Ambry internal data). This variant is considered to be rare based on population cohorts in the Genome Aggregation Database (gnomAD). Based on the supporting evidence, this variant is pathogenic for an increased risk of LZTR1-related schwannomatosis (SWN) and would be expected to cause autosomal recessive Noonan syndrome when present along with a second pathogenic or likely pathogenic variant on the other allele; however, the association of this alteration with autosomal dominant Noonan syndrome is unknown.

NM_006767.4(LZTR1):c.2304del (p.Thr769fs)

Gene: LZTR1 (leucine zipper like post translational regulator 1; plus strand). Cytogenetic location: 22q11.21.
Variant type: Deletion.
Coding change: c.2304del on transcript NM_006767.4 (MANE Select); coding-DNA position 2304, one base deleted (G; older notation c.2304delG).
Protein change: p.Thr769fs; shifts the reading frame from threonine 769.
Molecular consequence: frameshift variant.
Genome position (GRCh38, 1-based): chr22:20,996,780, G deleted. VCF-style (leftmost placement, unchanged base first): chr22-20996779-TG-T. GRCh37 (hg19) VCF-style: chr22-21351068-TG-T.
Other names: short protein forms T769fs.
Identifiers: ClinVar variation 1789339 (VCV001789339.3), dbSNP rs2518625795, ClinGen allele CA2580099312.